The following is an entry in ClinVar:

ClinVar aggregate classification (germline): Uncertain significance (1 of 4 stars; one submission).

Conditions:
Hereditary spastic paraplegia 7 (SPG7). Also called: SPG7-related neurologic disorder; Spastic paraplegia 7; Hereditary spastic paraplegia Paraplegin type; Autosomal recessive spastic paraplegia type 7; SPASTIC PARAPLEGIA 7, AUTOSOMAL RECESSIVE, WITH OR WITHOUT CEREBELLAR ATAXIA. Identifiers: Orphanet 99013, MedGen C1846564, MONDO:0011803, OMIM 607259.

Allele frequency attached by ClinVar (database versions not stated): gnomAD exomes below 0.00001; TOPMed below 0.00001.
gnomAD v4.1: 1 of 1,613,928 alleles (0.000062%); highest among the groups gnomAD compares: Admixed American, 0.0017%; no homozygotes.

Submission:

Labcorp Genetics (formerly Invitae), Labcorp
Classification: Uncertain significance for Hereditary spastic paraplegia 7. Last evaluated: 2024-07-22. Review status: criteria provided, single submitter. Criteria: Invitae Variant Classification Sherloc (09022015). Collection method: clinical testing. Allele origin: germline.
Comment: This sequence change replaces leucine, which is neutral and non-polar, with methionine, which is neutral and non-polar, at codon 733 of the SPG7 protein (p.Leu733Met). This variant is present in population databases (no rsID available, gnomAD 0.003%). This variant has not been reported in the literature in individuals affected with SPG7-related conditions. Advanced modeling of protein sequence and biophysical properties (such as structural, functional, and spatial information, amino acid conservation, physicochemical variation, residue mobility, and thermodynamic stability) performed at Invitae indicates that this missense variant is not expected to disrupt SPG7 protein function with a negative predictive value of 80%. In summary, the available evidence is currently insufficient to determine the role of this variant in disease. Therefore, it has been classified as a Variant of Uncertain Significance.

NM_003119.4(SPG7):c.2197C>A (p.Leu733Met)

Gene: SPG7 (SPG7 matrix AAA peptidase subunit, paraplegin; plus strand). Cytogenetic location: 16q24.3.
Variant type: single nucleotide variant.
Coding change: c.2197C>A on transcript NM_003119.4 (MANE Select); coding-DNA position 2197, C replaced by A.
Protein change: p.Leu733Met; replaces leucine 733 with methionine.
Molecular consequence: missense variant.
Genome position (GRCh38, 1-based): chr16:89,556,902, C>A. VCF-style: chr16-89556902-C-A. GRCh37 (hg19) VCF-style: chr16-89623310-C-A.
Other names: c.2405C>A, p.Ser802Tyr (NM_001363850.1); short protein forms S802Y, L733M.
Identifiers: ClinVar variation 2847317 (VCV002847317.3), dbSNP rs1449152716, ClinGen allele CA397417441.